The following is an entry in ClinVar:

ClinVar aggregate classification (germline): Benign. Review status: criteria provided, multiple submitters, no conflicts (2 of 4 stars). 3 submissions from 3 submitters: Benign (2). 1 of the submissions does not count toward it. Last evaluated 2025-04-17.

Conditions:
NAXD-related disorder. Also called: NAXD-related condition.

Allele frequency attached by ClinVar (database versions not stated): gnomAD exomes 0.00011 and 0.00022; ExAC 0.00030; 1000 Genomes Project 0.00060; 1000 Genomes Project 30x 0.00094; gnomAD 0.00097 and 0.00109; TOPMed 0.00113; ESP Exome Variant Server 0.00123.
gnomAD v4.1: 310 of 1,614,222 alleles (0.019%); highest among the groups gnomAD compares: African/African-American, 0.37%; no homozygotes.

Submissions (3):

Labcorp Genetics (formerly Invitae), Labcorp
Classification: Benign. Last evaluated: 2025-04-17. Review status: criteria provided, single submitter. Criteria: Invitae Variant Classification Sherloc (09022015). Collection method: clinical testing. Allele origin: germline.

Breakthrough Genomics
Classification: Benign. Review status: criteria provided, single submitter. Criteria: ACMG Guidelines, 2015. Collection method: not provided. Allele origin: germline. Inheritance: Autosomal recessive inheritance. Affected: yes.

PreventionGenetics, part of Exact Sciences
Classification: Likely benign for NAXD-related condition. Last evaluated: 2019-12-23. Review status: no assertion criteria provided. Collection method: clinical testing. Allele origin: germline. Not counted in ClinVar's aggregate classification.
Comment: This variant is classified as likely benign based on ACMG/AMP sequence variant interpretation guidelines (Richards et al. 2015 PMID: 25741868, with internal and published modifications).

NM_001242882.2(NAXD):c.141T>C (p.Ser47=)

Gene: NAXD (NAD(P)HX dehydratase; plus strand). Cytogenetic location: 13q34.
Variant type: single nucleotide variant.
Coding change: c.141T>C on transcript NM_001242882.2 (MANE Select); coding-DNA position 141, T replaced by C.
Protein change: p.Ser47=; no amino-acid change (serine 47 retained).
Molecular consequence: synonymous variant. On other transcripts: non-coding transcript variant (2), intron variant (1).
Genome position (GRCh38, 1-based): chr13:110,622,310, T>C. VCF-style: chr13-110622310-T-C. GRCh37 (hg19) VCF-style: chr13-111274657-T-C.
Other names: c.195T>C, p.Ser65= (NM_001242881.2, NM_018210.4); c.57-5129T>C (NM_001242883.2); c.195T>C (NM_018210.3).
Identifiers: ClinVar variation 1670248 (VCV001670248.11), dbSNP rs142423406, ClinGen allele CA7051053.